The following continues an entry in ClinVar:

NM_000256.3(MYBPC3):c.3005G>A (p.Arg1002Gln)

Gene: MYBPC3. ClinVar aggregate classification (germline): Conflicting classifications of pathogenicity. Uncertain significance (11); Likely benign (1).

Submissions 9 to 12 of 12:

Color Diagnostics, LLC DBA Color Health
Classification: Uncertain significance for Cardiomyopathy. Last evaluated: 2024-03-01. Review status: criteria provided, single submitter. Criteria: ACMG Guidelines, 2015. Collection method: clinical testing. Allele origin: germline.
Comment: This missense variant replaces arginine with glutamine at codon 1002 of the MYBPC3 protein. Computational prediction tools indicate that this variant has a neutral impact on protein structure and function. To our knowledge, functional studies have not been performed for this variant. This variant has been reported in at least four individuals affected with hypertrophic cardiomyopathy (PMID: 11815426, 28790153, 27532257, 32841044, 33495597, 33673806, 33782553; Burns 2019, dissertation, University of Sydney) and in one infant affected with sudden death (PMID: 28807990). This variant has also been identified in 16/267108 chromosomes in the general population by the Genome Aggregation Database (gnomAD). The available evidence is insufficient to determine the role of this variant in disease conclusively. Therefore, this variant is classified as a Variant of Uncertain Significance.

GeneDx
Classification: Uncertain significance. Last evaluated: 2023-08-25. Review status: criteria provided, single submitter. Criteria: GeneDx Variant Classification Process June 2021. Collection method: clinical testing. Allele origin: germline. Affected: yes.
Comment: Reported in individuals with HCM and DCM, and in one individual with sudden unexplained death in infancy (Niimura et al., 2002; Ho et al., 2009; Coppini et al., 2014; Burns et al, 2017; Walsh et al., 2017; Cirino et al., 2017; Dewar et al., 2017); In silico analysis supports that this missense variant has a deleterious effect on protein structure/function; This variant is associated with the following publications: (PMID: 21415409, 15115610, 24503780, 11815426, 20031602, 28790153, 28679633, 29030401, 25524337, 28807990, 27532257, 28986452, 33782553, KrylovaNS2020, 33673806, 35653365)

CHEO Genetics Diagnostic Laboratory, Children's Hospital of Eastern Ontario
Classification: Uncertain significance for Cardiomyopathy. Last evaluated: 2021-10-04. Review status: criteria provided, single submitter. Criteria: ACMG Guidelines, 2015. Collection method: clinical testing. Allele origin: germline.

Laboratory for Molecular Medicine, Mass General Brigham Personalized Medicine
Classification: Uncertain significance. Last evaluated: 2019-04-05. Review status: criteria provided, single submitter. Criteria: LMM Criteria. Collection method: clinical testing. Allele origin: germline. Observed: 2 variant alleles.
Comment: The p.Arg1002Gln variant in MYBPC3 has been reported in 3 individuals with HCM (Niimura 2002, Ho 2009 and LVOD unpublished data). This variant was also identified by our laboratory in 1 individual with DCM and in 1 individual with giant right atrium and arrhythmia (LMM unpublished data). In addition, this variant was identified in 4/62092 European chromosomes by the Exome Aggregation Consortium (ExAC). Arginine (Arg) at position 1002 is not conserved in evolutionarily distant species and the change to glutamine (Gln) is present in several birds. Additional computational prediction tools do not provide strong support for or against an impact to the protein. In summary, while the clinical significance of the Arg1002Gln variant is uncertain, the presence of the variant amino acid in multiple bird species suggests that it is more likely to be benign.,The Arg1002Gln variant in MYBPC3 has been reported in 3 individuals with HCM (Niimura 2002, Ho 2009 and LVOD unpublished data). This variant was also identified by our laboratory in 1 individual with DCM and in 1 individual with giant right atrium and arrhythmia (LMM unpublished data). In addition, this variant was identified in 4/62092 European chromosomes by the Exome Aggregation Consortium (ExAC). Arginine (Arg) at position 1002 is not conserved in evolutionarily distant species and the change to glutamine (Gln) is present in several birds. Additional computational prediction tools do not provide strong support for or against an impact to the protein. In summary, while the clinical significance of the Arg1002Gln variant is uncertain, the presence of the variant amino acid in multiple bird species suggests that it is more likely to be benign.

Literature cited by the submitters: PubMed 11815426 (cited by 6 submitters); PubMed 27532257 (cited by 4 submitters); PubMed 28790153 (cited by 5 submitters); PubMed 28807990 (cited by 5 submitters); PubMed 29030401 (cited by 3 submitters); PubMed 33673806 (cited by 3 submitters); PubMed 33782553 (cited by 3 submitters); PubMed 37652022 (cited by Labcorp Genetics (formerly Invitae), Labcorp); PubMed 32841044 (cited by 3 submitters); PubMed 33495597 (cited by All of Us Research Program, National Institutes of Health and Color Diagnostics, LLC DBA Color Health); PubMed 15115610 (cited by Ambry Genetics); PubMed 20031602 (cited by Ambry Genetics and Laboratory for Molecular Medicine, Mass General Brigham Personalized Medicine); PubMed 25524337 (cited by Ambry Genetics).